The following is an entry in ClinVar:

NM_001130438.3(SPTAN1):c.6762+3A>G

Gene: SPTAN1 (spectrin alpha, non-erythrocytic 1; plus strand). Cytogenetic location: 9q34.11.
Variant type: single nucleotide variant.
Coding change: c.6762+3A>G on transcript NM_001130438.3 (MANE Select); 3 bases into the intron after coding-DNA position 6762, A replaced by G.
Molecular consequence: intron variant.
Genome position (GRCh38, 1-based): chr9:128,630,378, A>G. VCF-style: chr9-128630378-A-G. GRCh37 (hg19) VCF-style: chr9-131392657-A-G.
Other names: c.6861+3A>G (NM_001375318.1); c.6798+3A>G (NM_001375312.2); c.6762+3A>G (NM_001375311.2); c.6702+3A>G (NM_001375314.2, NM_001363765.2); c.6849+3A>G (NM_001375310.1); c.6825+3A>G (NM_001363759.2); c.6744+3A>G (NM_001375313.1); c.6747+3A>G (NM_003127.4); and 1 more.
Identifiers: ClinVar variation 2104409 (VCV002104409.4), dbSNP rs2542326098, ClinGen allele CA2580079725.

ClinVar aggregate classification (germline): Uncertain significance (1 of 4 stars; one submission).

Conditions:
Early-infantile DEE. Also called: Early infantile epileptic encephalopathy; Early infantile epileptic encephalopathy with suppression bursts; Ohtahara syndrome. Identifiers: Orphanet 1934, MedGen C0393706, MONDO:0800491.

Submission:

Labcorp Genetics (formerly Invitae), Labcorp
Classification: Uncertain significance for Early-infantile DEE. Last evaluated: 2023-09-25. Review status: criteria provided, single submitter. Criteria: Invitae Variant Classification Sherloc (09022015). Collection method: clinical testing. Allele origin: germline.
Comment: ClinVar contains an entry for this variant (Variation ID: 2104409). This variant has not been reported in the literature in individuals affected with SPTAN1-related conditions. This variant is not present in population databases (gnomAD no frequency). This sequence change falls in intron 52 of the SPTAN1 gene. It does not directly change the encoded amino acid sequence of the SPTAN1 protein. It affects a nucleotide within the consensus splice site. In summary, the available evidence is currently insufficient to determine the role of this variant in disease. Therefore, it has been classified as a Variant of Uncertain Significance. Variants that disrupt the consensus splice site are a relatively common cause of aberrant splicing (PMID: 17576681, 9536098). Algorithms developed to predict the effect of sequence changes on RNA splicing suggest that this variant is not likely to affect RNA splicing.

Literature cited by the submitters: PubMed 17576681; PubMed 9536098.